The following is an entry in ClinVar:

NM_020366.4(RPGRIP1):c.1592A>G (p.Lys531Arg)

Gene: RPGRIP1 (RPGR interacting protein 1; plus strand). Cytogenetic location: 14q11.2.
Variant type: single nucleotide variant.
Coding change: c.1592A>G on transcript NM_020366.4 (MANE Select); coding-DNA position 1592, A replaced by G.
Protein change: p.Lys531Arg; replaces lysine 531 with arginine.
Molecular consequence: missense variant.
Genome position (GRCh38, 1-based): chr14:21,321,383, A>G. VCF-style: chr14-21321383-A-G. GRCh37 (hg19) VCF-style: chr14-21789542-A-G.
Other names: c.518A>G, p.Lys173Arg (NM_001377523.1, NM_001377948.1, NM_001377949.1 and 1 more transcripts); c.20A>G, p.Lys7Arg (NM_001377951.1); short protein forms K531R, K173R, K7R.
Identifiers: ClinVar variation 1420305 (VCV001420305.7), dbSNP rs2139208888, ClinGen allele CA388865514.

ClinVar aggregate classification (germline): Uncertain significance (1 of 4 stars; one submission).

Conditions:
Cone-rod dystrophy 13 (CORD13). Identifiers: Orphanet 1872, MedGen C2750720, MONDO:0011987, OMIM 608194.
Leber congenital amaurosis 6 (LCA6). Identifiers: Orphanet 65, MedGen C1854260, MONDO:0013446, OMIM 613826.

Submission:

Labcorp Genetics (formerly Invitae), Labcorp
Classification: Uncertain significance for Leber congenital amaurosis 6; Cone-rod dystrophy 13. Last evaluated: 2020-11-02. Review status: criteria provided, single submitter. Criteria: Invitae Variant Classification Sherloc (09022015). Collection method: clinical testing. Allele origin: germline.
Comment: In summary, the available evidence is currently insufficient to determine the role of this variant in disease. Therefore, it has been classified as a Variant of Uncertain Significance. Algorithms developed to predict the effect of sequence changes on RNA splicing suggest that this variant may create or strengthen a splice site, but this prediction has not been confirmed by published transcriptional studies. Algorithms developed to predict the effect of missense changes on protein structure and function are either unavailable or do not agree on the potential impact of this missense change (SIFT: "Tolerated"; PolyPhen-2: "Possibly Damaging"; Align-GVGD: "Class C0"). This variant has not been reported in the literature in individuals with RPGRIP1-related conditions. This variant is not present in population databases (ExAC no frequency). This sequence change replaces lysine with arginine at codon 531 of the RPGRIP1 protein (p.Lys531Arg). The lysine residue is moderately conserved and there is a small physicochemical difference between lysine and arginine.